The following is an entry in ClinVar:

ClinVar aggregate classification (germline): Uncertain significance. Review status: criteria provided, multiple submitters, no conflicts (2 of 4 stars). 3 submissions from 3 submitters: Uncertain significance (3). Last evaluated 2025-11-04.

Conditions:
Renal hypomagnesemia 2 (HOMG2). Also called: MAGNESIUM LOSS, ISOLATED RENAL. Identifiers: Orphanet 34528, MedGen C1835171, MONDO:0007937, OMIM 154020.
FXYD2-related disorder. Also called: FXYD2-related condition.

Allele frequency attached by ClinVar (database versions not stated): gnomAD exomes 0.00001; ExAC 0.00002; gnomAD 0.00002; TOPMed 0.00002.
gnomAD v4.1: 15 of 1,610,632 alleles (0.00093%); highest among the groups gnomAD compares: East Asian, 0.0022%; no homozygotes.

Submissions (3):

PreventionGenetics, part of Exact Sciences
Classification: Uncertain significance for FXYD2-related condition. Last evaluated: 2025-11-04. Review status: criteria provided, single submitter. Criteria: ACMG Guidelines, 2015. Collection method: clinical testing. Allele origin: germline.
Comment: The FXYD2 c.53C>T variant is predicted to result in the amino acid substitution p.Pro18Leu. To our knowledge, this variant has not been reported in the literature. This variant is reported in 0.0083% of alleles in individuals of African descent in gnomAD. At this time, the clinical significance of this variant is uncertain due to the absence of conclusive functional and genetic evidence.

Fulgent Genetics
Classification: Uncertain significance for Renal hypomagnesemia 2. Last evaluated: 2024-03-28. Review status: criteria provided, single submitter. Criteria: ACMG Guidelines, 2015. Collection method: clinical testing. Allele origin: germline.

Labcorp Genetics (formerly Invitae), Labcorp
Classification: Uncertain significance. Last evaluated: 2022-08-22. Review status: criteria provided, single submitter. Criteria: Invitae Variant Classification Sherloc (09022015). Collection method: clinical testing. Allele origin: germline.
Comment: This sequence change replaces proline, which is neutral and non-polar, with leucine, which is neutral and non-polar, at codon 18 of the FXYD2 protein (p.Pro18Leu). This variant is present in population databases (rs763425417, gnomAD 0.009%). This variant has not been reported in the literature in individuals affected with FXYD2-related conditions. Algorithms developed to predict the effect of missense changes on protein structure and function are either unavailable or do not agree on the potential impact of this missense change (SIFT: "Deleterious"; PolyPhen-2: "Possibly Damaging"; Align-GVGD: "Class C0"). In summary, the available evidence is currently insufficient to determine the role of this variant in disease. Therefore, it has been classified as a Variant of Uncertain Significance.

NM_001680.5(FXYD2):c.53C>T (p.Pro18Leu)

Genes: FXYD2 (FXYD domain containing ion transport regulator 2; minus strand), FXYD6-FXYD2 (FXYD6-FXYD2 readthrough; minus strand). Cytogenetic location: 11q23.3.
Variant type: single nucleotide variant.
Coding change: c.53C>T on transcript NM_001680.5 (MANE Select); coding-DNA position 53, C replaced by T.
Protein change: p.Pro18Leu; replaces proline 18 with leucine.
Molecular consequence: missense variant. On other transcripts: synonymous variant (1).
Genome position (GRCh38, 1-based): chr11:117,822,690, G>A on the plus strand (C>T on the coding strand, the complement: FXYD2 is on the minus strand). VCF-style: chr11-117822690-G-A. GRCh37 (hg19) VCF-style: chr11-117693405-G-A.
Other names: c.287C>T, p.Pro96Leu (NM_001204268.3); c.300C>T, p.Pro100= (NM_001243598.4); c.47C>T, p.Pro16Leu (NM_021603.4); c.53C>T (NM_001680.4); short protein forms P16L, P18L, P96L.
Identifiers: ClinVar variation 2414831 (VCV002414831.9), dbSNP rs763425417, ClinGen allele CA6297858.
Genomic context (GRCh38, chr11:117,822,690, plus strand): 5'-GGAAGGGGTCCTGAGGGCTCAGGAAGGGTGCGCAGGGGCCCAGGCTTACCATAGTAGAAC[G>A]GGTCCACGTCCCCCTTGGGGCTGCCGCCTAGGAGAGAGCCAGAGGTGGGATGAGAGGAGT-3'
Protein context (NP_001671.2, residues 8-28): GGGSPKGDVD[Pro18Leu]FYYDYETVRN